The following is an entry in ClinVar:

NM_001818.5(AKR1C4):c.6T>G (p.Asp2Glu)

Gene: AKR1C4 (aldo-keto reductase family 1 member C4; plus strand). Cytogenetic location: 10p15.1.
Variant type: single nucleotide variant.
Coding change: c.6T>G on transcript NM_001818.5 (MANE Select); coding-DNA position 6, T replaced by G.
Protein change: p.Asp2Glu; replaces aspartic acid 2 with glutamic acid.
Molecular consequence: missense variant.
Genome position (GRCh38, 1-based): chr10:5,196,873, T>G. VCF-style: chr10-5196873-T-G. GRCh37 (hg19) VCF-style: chr10-5238836-T-G.
Other names: short protein forms D2E.
Identifiers: ClinVar variation 4980126 (VCV004980126.1).

ClinVar aggregate classification (germline): Uncertain significance (1 of 4 stars; one submission).

Conditions:
AKR1C4-related disorder. Also called: AKR1C4-related condition.

gnomAD v4.1: 35 of 1,613,970 alleles (0.0022%); highest among the groups gnomAD compares: Non-Finnish European, 0.0027%; no homozygotes.

Submission:

PreventionGenetics, part of Exact Sciences
Classification: Uncertain significance for AKR1C4-related condition. Last evaluated: 2025-02-11. Review status: criteria provided, single submitter. Criteria: ACMG Guidelines, 2015. Collection method: clinical testing. Allele origin: germline.
Comment: The AKR1C4 c.6T>G variant is predicted to result in the amino acid substitution p.Asp2Glu. To our knowledge, this variant has not been reported in the literature. This variant is reported in 0.0018% of alleles in individuals of European (Non-Finnish) descent in gnomAD. At this time, the clinical significance of this variant is uncertain due to the absence of conclusive functional and genetic evidence.